The following is an entry in ClinVar:

NM_002471.4(MYH6):c.993G>A (p.Met331Ile)

Gene: MYH6 (myosin heavy chain 6; minus strand). Cytogenetic location: 14q11.2.
Variant type: single nucleotide variant.
Coding change: c.993G>A on transcript NM_002471.4 (MANE Select); coding-DNA position 993, G replaced by A.
Protein change: p.Met331Ile; replaces methionine 331 with isoleucine.
Molecular consequence: missense variant.
Genome position (GRCh38, 1-based): chr14:23,402,706, C>T on the plus strand (G>A on the coding strand, the complement: MYH6 is on the minus strand). VCF-style: chr14-23402706-C-T. GRCh37 (hg19) VCF-style: chr14-23871915-C-T.
Other names: c.993G>A (NM_002471.3); short protein forms M331I.
Identifiers: ClinVar variation 1518124 (VCV001518124.10), dbSNP rs112677696, ClinGen allele CA257795336.
Genomic context (GRCh38, chr14:23,402,706, plus strand): 5'-CCCAGGAGCTCCTGGGGTCCCTCGAACGGCCGCAGCAGCCCCCTCACTCACATCGGTGGC[C>T]ATGAGCTCCTCGGAGTCATCAATGGAGGCCACGGACACCTCTCCCTGAGACACGAAGGCG-3'
Protein context (NP_002462.2, residues 321-341): VASIDDSEEL[Met331Ile]ATDSAFDVLG

ClinVar aggregate classification (germline): Uncertain significance. Review status: criteria provided, multiple submitters, no conflicts (2 of 4 stars). 3 submissions from 3 submitters: Uncertain significance (3). Last evaluated 2024-08-15.

Conditions:
Hypertrophic cardiomyopathy 14. Identifiers: MedGen C2750467, MONDO:0013197, OMIM 613251.
Cardiovascular phenotype. Identifiers: MedGen CN230736.

Allele frequency attached by ClinVar (database versions not stated): gnomAD 0.00001.
gnomAD v4.1: 14 of 1,613,628 alleles (0.00087%); highest among the groups gnomAD compares: African/African-American, 0.0067%; no homozygotes.

Submissions (3):

Ambry Genetics
Classification: Uncertain significance for Cardiovascular phenotype. Last evaluated: 2024-08-15. Review status: criteria provided, single submitter. Criteria: Ambry Variant Classification Scheme 2023. Collection method: clinical testing. Allele origin: germline.
Comment: The p.M331I variant (also known as c.993G>A), located in coding exon 9 of the MYH6 gene, results from a G to A substitution at nucleotide position 993. The methionine at codon 331 is replaced by isoleucine, an amino acid with highly similar properties. This amino acid position is conserved. In addition, this alteration is predicted to be tolerated by in silico analysis. Based on the available evidence, the clinical significance of this variant remains unclear.

Revvity Omics, Revvity
Classification: Uncertain significance. Last evaluated: 2023-08-16. Review status: criteria provided, single submitter. Criteria: ACMG Guidelines, 2015. Collection method: clinical testing. Allele origin: germline.

Labcorp Genetics (formerly Invitae), Labcorp
Classification: Uncertain significance for Hypertrophic cardiomyopathy 14. Last evaluated: 2023-06-14. Review status: criteria provided, single submitter. Criteria: Invitae Variant Classification Sherloc (09022015). Collection method: clinical testing. Allele origin: germline.
Comment: This variant has not been reported in the literature in individuals affected with MYH6-related conditions. This variant is not present in population databases (gnomAD no frequency). This sequence change replaces methionine, which is neutral and non-polar, with isoleucine, which is neutral and non-polar, at codon 331 of the MYH6 protein (p.Met331Ile). ClinVar contains an entry for this variant (Variation ID: 1518124). In summary, the available evidence is currently insufficient to determine the role of this variant in disease. Therefore, it has been classified as a Variant of Uncertain Significance. Advanced modeling of protein sequence and biophysical properties (such as structural, functional, and spatial information, amino acid conservation, physicochemical variation, residue mobility, and thermodynamic stability) performed at Invitae indicates that this missense variant is not expected to disrupt MYH6 protein function.